The following is an entry in ClinVar:

ClinVar aggregate classification (germline): Uncertain significance (1 of 4 stars; one submission).

Conditions:
Dilated cardiomyopathy 1HH (CMD1HH). Identifiers: Orphanet 154, MedGen C3151293, MONDO:0013479, OMIM 613881.
Myofibrillar myopathy 6. Identifiers: Orphanet 199340, MedGen C2751831, MONDO:0013061, OMIM 612954.

Submission:

Labcorp Genetics (formerly Invitae), Labcorp
Classification: Uncertain significance for Dilated cardiomyopathy 1HH; Myofibrillar myopathy 6. Last evaluated: 2022-09-20. Review status: criteria provided, single submitter. Criteria: Invitae Variant Classification Sherloc (09022015). Collection method: clinical testing. Allele origin: germline.
Comment: This variant disrupts a region of the BAG3 protein in which other variant(s) (p.Glu239Lys) have been observed in individuals with BAG3-related conditions (Invitae). This suggests that this is a clinically significant region of the protein, and that variants that disrupt it are likely to be disease-causing. In summary, the available evidence is currently insufficient to determine the role of this variant in disease. Therefore, it has been classified as a Variant of Uncertain Significance. This variant has not been reported in the literature in individuals affected with BAG3-related conditions. This variant is a gross deletion of the genomic region encompassing exon(s) 2-3 of the BAG3 gene. This variant would be expected to be in-frame, preserving the integrity of the reading frame.

NC_000010.10:g.(?_121429343)_(121432188_?)del

Gene: BAG3 (BAG cochaperone 3; plus strand). Cytogenetic location: 10q26.11.
Variant type: Deletion.
Identifiers: ClinVar variation 2425052 (VCV002425052.4).